The following is an entry in ClinVar:

ClinVar aggregate classification (germline): Uncertain significance (1 of 4 stars; one submission).

Allele frequency attached by ClinVar (database versions not stated): gnomAD exomes below 0.00001.
gnomAD v4.1: 1 of 1,614,198 alleles (0.000062%); highest among the groups gnomAD compares: Non-Finnish European, 0.000085%; no homozygotes.

Submission:

Ambry Genetics
Classification: Uncertain significance. Last evaluated: 2023-07-26. Review status: criteria provided, single submitter. Criteria: Ambry Variant Classification Scheme 2023. Collection method: clinical testing. Allele origin: germline.
Comment: The p.M351I variant (also known as c.1053G>A), located in coding exon 10 of the BUB1 gene, results from a G to A substitution at nucleotide position 1053. The methionine at codon 351 is replaced by isoleucine, an amino acid with highly similar properties. This amino acid position is conserved. In addition, this alteration is predicted to be tolerated by in silico analysis. Since supporting evidence is limited at this time, the clinical significance of this alteration remains unclear.

NM_004336.5(BUB1):c.1053G>A (p.Met351Ile)

Gene: BUB1 (BUB1 mitotic checkpoint serine/threonine kinase; minus strand). Cytogenetic location: 2q13.
Variant type: single nucleotide variant.
Coding change: c.1053G>A on transcript NM_004336.5 (MANE Select); coding-DNA position 1053, G replaced by A.
Protein change: p.Met351Ile; replaces methionine 351 with isoleucine.
Molecular consequence: missense variant.
Genome position (GRCh38, 1-based): chr2:110,661,746, C>T on the plus strand (G>A on the coding strand, the complement: BUB1 is on the minus strand). VCF-style: chr2-110661746-C-T. GRCh37 (hg19) VCF-style: chr2-111419323-C-T.
Other names: c.993G>A, p.Met331Ile (NM_001278616.2); c.1053G>A, p.Met351Ile (NM_001278617.2); short protein forms M331I, M351I.
Identifiers: ClinVar variation 2586156 (VCV002586156.2), dbSNP rs2468017546, ClinGen allele CA348214514.